The following is an entry in ClinVar:

ClinVar aggregate classification (germline): Uncertain significance (1 of 4 stars; one submission).

Submission:

GeneDx
Classification: Uncertain significance. Last evaluated: 2023-04-16. Review status: criteria provided, single submitter. Criteria: GeneDx Variant Classification Process June 2021. Collection method: clinical testing. Allele origin: germline. Affected: yes.
Comment: Not observed at significant frequency in large population cohorts (gnomAD); In silico analysis supports that this missense variant has a deleterious effect on protein structure/function; Has not been previously published as pathogenic or benign to our knowledge

NM_181675.4(PPP2R2B):c.133G>C (p.Gly45Arg)

Gene: PPP2R2B (protein phosphatase 2 regulatory subunit Bbeta; minus strand). Cytogenetic location: 5q32.
Variant type: single nucleotide variant.
Coding change: c.133G>C on transcript NM_181675.4 (MANE Select); coding-DNA position 133, G replaced by C.
Protein change: p.Gly45Arg; replaces glycine 45 with arginine.
Molecular consequence: missense variant. On other transcripts: non-coding transcript variant (2).
Genome position (GRCh38, 1-based): chr5:146,701,080, C>G on the plus strand (G>C on the coding strand, the complement: PPP2R2B is on the minus strand). VCF-style: chr5-146701080-C-G. GRCh37 (hg19) VCF-style: chr5-146080643-C-G.
Other names: c.151G>C, p.Gly51Arg (NM_001271899.1); c.307G>C, p.Gly103Arg (NM_001271900.2); c.100G>C, p.Gly34Arg (NM_001271948.2, NM_181678.2); c.331G>C, p.Gly111Arg (NM_181674.3); c.142G>C, p.Gly48Arg (NM_181676.3); c.73G>C, p.Gly25Arg (NM_181677.2); short protein forms G103R, G111R, G25R, G34R, G45R, G48R, G51R.
Identifiers: ClinVar variation 3252913 (VCV003252913.1), dbSNP rs2483368011.